The following is an entry in ClinVar:

ClinVar aggregate classification (germline): Conflicting classifications of pathogenicity. Review status: criteria provided, conflicting classifications (1 of 4 stars). 7 submissions from 7 submitters: Pathogenic (1); Likely pathogenic (4); Uncertain significance (2). Last evaluated 2025-08-11.

Conditions:
MAN1B1-related disorder. Also called: MAN1B1-related condition; MAN1B1-related disorders.
Rafiq syndrome (RAFQS). Identifiers: Orphanet 88616, MedGen C3280127, MONDO:0013624, OMIM 614202.

Allele frequency attached by ClinVar (database versions not stated): ExAC 0.00005; gnomAD exomes 0.00006 and 0.00021; ESP Exome Variant Server 0.00008; gnomAD 0.00011 and 0.00012; TOPMed 0.00011.
gnomAD v4.1: 320 of 1,612,678 alleles (0.02%); highest among the groups gnomAD compares: Non-Finnish European, 0.026%; no homozygotes.

Submissions (7):

Labcorp Genetics (formerly Invitae), Labcorp
Classification: Likely pathogenic for Rafiq syndrome. Last evaluated: 2025-08-11. Review status: criteria provided, single submitter. Criteria: Invitae Variant Classification Sherloc (09022015). Collection method: clinical testing. Allele origin: germline.
Comment: This sequence change replaces arginine, which is basic and polar, with tryptophan, which is neutral and slightly polar, at codon 597 of the MAN1B1 protein (p.Arg597Trp). This variant is present in population databases (rs374963946, gnomAD 0.01%). This missense change has been observed in individual(s) with MAN1B1-related conditions (PMID: 24566669, 34258140, 37010288, 38037438; external communication). It has also been observed to segregate with disease in related individuals. ClinVar contains an entry for this variant (Variation ID: 282602). An algorithm developed to predict the effect of missense changes on protein structure and function (PolyPhen-2) suggests that this variant is likely to be disruptive. In summary, the currently available evidence indicates that the variant is pathogenic, but additional data are needed to prove that conclusively. Therefore, this variant has been classified as Likely Pathogenic.

GeneDx
Classification: Pathogenic. Last evaluated: 2024-10-04. Review status: criteria provided, single submitter. Criteria: GeneDx Variant Classification Process June 2021. Collection method: clinical testing. Allele origin: germline. Affected: yes.
Comment: Not observed at significant frequency in large population cohorts (gnomAD); In silico analysis supports that this missense variant has a deleterious effect on protein structure/function; This variant is associated with the following publications: (PMID: 26279649, 24566669, 37010288, 34258140, 38037438)

CeGaT Center for Human Genetics Tuebingen
Classification: Likely pathogenic. Last evaluated: 2023-05-01. Review status: criteria provided, single submitter. Criteria: CeGaT Center For Human Genetics Tuebingen Variant Classification Criteria Version 2. Collection method: clinical testing. Allele origin: germline. Affected: yes. Observed: 1 variant allele.
Comment: MAN1B1: PM1, PM2, PP1, PP3

Pittsburgh Clinical Genomics Laboratory, University of Pittsburgh Medical Center
Classification: Likely pathogenic for Rafiq syndrome. Last evaluated: 2023-04-25. Review status: criteria provided, single submitter. Criteria: ACMG Guidelines, 2015. Collection method: clinical testing. Allele origin: germline. Inheritance: Autosomal recessive inheritance. Affected: yes.
Comment: This sequence variant is a single nucleotide substitution (C>T) at coding position 1789 in the MAN1B1 gene which results in an arginine to tryptophan amino acid change at residue 597 in the MAN1B1 protein. This is a previously reported variant (ClinVar) which has been observed in compound heterozygous state in three individuals with glycosylation disorders (PMID: 34258140, 24566669). This variant is present in 17/281976 alleles (0.006%) in the gnomAD population database. Multiple bioinformatic tools predict that this amino acid change will be damaging, and arginine acid is highly conserved at this position in vertebrates. Though functiol studies assessing the effect of this variant on protein structure or activity have not been performed, it is notable that aforementioned compound heterozygotes had significant glycosylation abnormalities (PMID: 34258140, 24566669). Based on the available evidence, we consider this variant to be likely pathogenic. ACMG Criteria: BS1, PM2, PM3, PP3, PS4

Blueprint Genetics
Classification: Likely pathogenic for MAN1B1-related disorders. Last evaluated: 2022-08-12. Review status: criteria provided, single submitter. Criteria: ACMG Guidelines, 2015. Collection method: clinical testing. Allele origin: germline. Affected: yes. Observed: 4 variant alleles.

Baylor Genetics
Classification: Uncertain significance for Rafiq syndrome. Last evaluated: 2019-09-27. Review status: criteria provided, single submitter. Criteria: ACMG Guidelines, 2015. Collection method: clinical testing. Allele origin: unknown. Affected: yes.
Comment: This variant was determined to be of uncertain significance according to ACMG Guidelines, 2015 [PMID:25741868].

Eurofins Ntd Llc (ga)
Classification: Uncertain significance. Last evaluated: 2015-08-11. Review status: criteria provided, single submitter. Criteria: EGL Classification Definitions 2015. Collection method: clinical testing. Allele origin: germline. Observed: 1 variant allele, 1 heterozygote.

Literature cited by the submitters: PubMed 24566669 (cited by Labcorp Genetics (formerly Invitae), Labcorp and Pittsburgh Clinical Genomics Laboratory, University of Pittsburgh Medical Center); PubMed 34258140 (cited by Labcorp Genetics (formerly Invitae), Labcorp and Pittsburgh Clinical Genomics Laboratory, University of Pittsburgh Medical Center); PubMed 37010288 (cited by Labcorp Genetics (formerly Invitae), Labcorp); PubMed 38037438 (cited by Labcorp Genetics (formerly Invitae), Labcorp).

NM_016219.5(MAN1B1):c.1789C>T (p.Arg597Trp)

Gene: MAN1B1 (mannosidase alpha class 1B member 1; plus strand). Cytogenetic location: 9q34.3.
Variant type: single nucleotide variant.
Coding change: c.1789C>T on transcript NM_016219.5 (MANE Select); coding-DNA position 1789, C replaced by T.
Protein change: p.Arg597Trp; replaces arginine 597 with tryptophan.
Molecular consequence: missense variant. On other transcripts: non-coding transcript variant (2).
Genome position (GRCh38, 1-based): chr9:137,107,555, C>T. VCF-style: chr9-137107555-C-T. GRCh37 (hg19) VCF-style: chr9-140002007-C-T.
Other names: short protein forms R597W.
Identifiers: ClinVar variation 282602 (VCV000282602.49), dbSNP rs374963946, ClinGen allele CA5359394.